The following is an entry in ClinVar:

NM_001374828.1(ARID1B):c.419C>G (p.Ser140Trp)

Genes: ARID1B (AT-rich interaction domain 1B; plus strand), LOC115308161 (uncharacterized LOC115308161; minus strand), LOC129997524 (ATAC-STARR-seq lymphoblastoid silent region 17711; plus strand). Cytogenetic location: 6q25.3.
Variant type: single nucleotide variant.
Coding change: c.419C>G on transcript NM_001374828.1 (MANE Select); coding-DNA position 419, C replaced by G.
Protein change: p.Ser140Trp; replaces serine 140 with tryptophan.
Molecular consequence: missense variant.
Genome position (GRCh38, 1-based): chr6:156,778,099, C>G. VCF-style: chr6-156778099-C-G. GRCh37 (hg19) VCF-style: chr6-157099233-C-G.
Other names: c.419C>G, p.Ser140Trp (NM_001371656.1, NM_001374820.1, NM_017519.3); short protein forms S140W.
Identifiers: ClinVar variation 3772462 (VCV003772462.13).

ClinVar aggregate classification (germline): Uncertain significance (1 of 4 stars; one submission).

gnomAD v4.1: 1 of 1,540,714 alleles (0.000065%); highest among the groups gnomAD compares: Non-Finnish European, 0.000087%; no homozygotes.

Submission:

CeGaT Center for Human Genetics Tuebingen
Classification: Uncertain significance. Last evaluated: 2025-02-01. Review status: criteria provided, single submitter. Criteria: CeGaT Center For Human Genetics Tuebingen Variant Classification Criteria Version 2. Collection method: clinical testing. Allele origin: germline. Affected: yes. Observed: 1 variant allele.
Comment: ARID1B: PM2, BP1